The following is an entry in ClinVar:

ClinVar aggregate classification (germline): Uncertain significance (1 of 4 stars; one submission).

Conditions:
Deafness-lymphedema-leukemia syndrome. Also called: Emberger syndrome; Lymphedema, primary, with myelodysplasia. Identifiers: Orphanet 3226, MedGen C3279664, MONDO:0013540, OMIM 614038.
Monocytopenia with susceptibility to infections. Also called: GATA2 DEFICIENCY; MONOCYTOPENIA AND MYCOBACTERIAL INFECTION SYNDROME; MONOCYTOPENIA WITH SUSCEPTIBILITY TO MYCOBACTERIAL, FUNGAL, AND PAPILLOMAVIRUS INFECTIONS AND MYELODYSPLASIA; COMBINED IMMUNODEFICIENCY WITH SUSCEPTIBILITY TO MYCOBACTERIAL, VIRAL, AND FUNGAL INFECTIONS; Dendritic cell, monocyte, B lymphocyte, and natural killer lymphocyte deficiency; IMMUNODEFICIENCY 21. Identifiers: Orphanet 228423, MedGen C3280030, MONDO:0013607, OMIM 614172.

Submission:

Labcorp Genetics (formerly Invitae), Labcorp
Classification: Uncertain significance for Monocytopenia with susceptibility to infections; Deafness-lymphedema-leukemia syndrome. Last evaluated: 2022-12-24. Review status: criteria provided, single submitter. Criteria: Invitae Variant Classification Sherloc (09022015). Collection method: clinical testing. Allele origin: germline.
Comment: In summary, the available evidence is currently insufficient to determine the role of this variant in disease. Therefore, it has been classified as a Variant of Uncertain Significance. Advanced modeling of protein sequence and biophysical properties (such as structural, functional, and spatial information, amino acid conservation, physicochemical variation, residue mobility, and thermodynamic stability) has been performed at Invitae for this missense variant, however the output from this modeling did not meet the statistical confidence thresholds required to predict the impact of this variant on GATA2 protein function. This variant has not been reported in the literature in individuals affected with GATA2-related conditions. This variant is not present in population databases (gnomAD no frequency). This sequence change replaces proline, which is neutral and non-polar, with serine, which is neutral and polar, at codon 93 of the GATA2 protein (p.Pro93Ser).

NM_032638.5(GATA2):c.277C>T (p.Pro93Ser)

Gene: GATA2 (GATA binding protein 2; minus strand). Cytogenetic location: 3q21.3.
Variant type: single nucleotide variant.
Coding change: c.277C>T on transcript NM_032638.5 (MANE Select); coding-DNA position 277, C replaced by T.
Protein change: p.Pro93Ser; replaces proline 93 with serine.
Molecular consequence: missense variant.
Genome position (GRCh38, 1-based): chr3:128,486,321, G>A on the plus strand (C>T on the coding strand, the complement: GATA2 is on the minus strand). VCF-style: chr3-128486321-G-A. GRCh37 (hg19) VCF-style: chr3-128205164-G-A.
Other names: c.277C>T, p.Pro93Ser (NM_001145661.2, NM_001145662.1); short protein forms P93S.
Identifiers: ClinVar variation 2930417 (VCV002930417.3), dbSNP rs2472932192, ClinGen allele CA354407628.
Genomic context (GRCh38, chr3:128,486,321, plus strand): 5'-GGTGGTGGGCCGCAGCGGCAGAGAGGGCTGCTTTGCCCCCGTCCAGCCAGGGCAAACCCG[G>A]GCTGTGCAACAAGTGTGGGCGGCACATCTGGCCTCCGGTCAGGCGGGCTGCGGGCAAAGA-3'
Protein context (NP_116027.2, residues 83-103): QMCRPHLLHS[Pro93Ser]GLPWLDGGKA